The following is an entry in ClinVar:

ClinVar aggregate classification (germline): Benign. Review status: criteria provided, multiple submitters, no conflicts (2 of 4 stars). 2 submissions from 2 submitters: Benign (2). Last evaluated 2018-06-14.

Allele frequency attached by ClinVar (database versions not stated): gnomAD exomes 0.08700; 1000 Genomes Project 0.18810; gnomAD 0.19162 and 0.20108; 1000 Genomes Project 30x 0.19628; TOPMed 0.20676.
gnomAD v4.1: 154,284 of 1,580,226 alleles (9.8%); highest among the groups gnomAD compares: African/African-American, 50%; 14,092 homozygotes.

Submissions (2):

GeneDx
Classification: Benign. Last evaluated: 2018-06-14. Review status: criteria provided, single submitter. Criteria: GeneDx Variant Classification (06012015). Collection method: clinical testing. Allele origin: germline. Affected: yes.
Comment: This variant is considered likely benign or benign based on one or more of the following criteria: it is a conservative change, it occurs at a poorly conserved position in the protein, it is predicted to be benign by multiple in silico algorithms, and/or has population frequency not consistent with disease.

Breakthrough Genomics
Classification: Benign. Review status: criteria provided, single submitter. Criteria: ACMG Guidelines, 2015. Collection method: not provided. Allele origin: germline. Inheritance: Autosomal recessive inheritance. Affected: yes.

NM_000257.4(MYH7):c.1408-117C>T

Gene: MYH7 (myosin heavy chain 7; minus strand). Cytogenetic location: 14q11.2.
Variant type: single nucleotide variant.
Coding change: c.1408-117C>T on transcript NM_000257.4 (MANE Select); 117 bases into the intron before coding-DNA position 1408, C replaced by T.
Molecular consequence: intron variant.
Genome position (GRCh38, 1-based): chr14:23,428,787, G>A on the plus strand (C>T on the coding strand, the complement: MYH7 is on the minus strand). VCF-style: chr14-23428787-G-A. GRCh37 (hg19) VCF-style: chr14-23897996-G-A.
Identifiers: ClinVar variation 671381 (VCV000671381.2), dbSNP rs3729814, ClinGen allele CA257823174.